The following is an entry in ClinVar:

NM_032119.4(ADGRV1):c.686A>G (p.Asp229Gly)

Gene: ADGRV1 (adhesion G protein-coupled receptor V1; plus strand). Cytogenetic location: 5q14.3.
Variant type: single nucleotide variant.
Coding change: c.686A>G on transcript NM_032119.4 (MANE Select); coding-DNA position 686, A replaced by G.
Protein change: p.Asp229Gly; replaces aspartic acid 229 with glycine.
Molecular consequence: missense variant. On other transcripts: non-coding transcript variant (1).
Genome position (GRCh38, 1-based): chr5:90,627,224, A>G. VCF-style: chr5-90627224-A-G. GRCh37 (hg19) VCF-style: chr5-89923041-A-G.
Other names: p.Asp229Gly; short protein forms D229G.
Identifiers: ClinVar variation 905501 (VCV000905501.16), dbSNP rs200541858, ClinGen allele CA3338546.

ClinVar aggregate classification (germline): Conflicting classifications of pathogenicity. Review status: criteria provided, conflicting classifications (1 of 4 stars). 7 submissions from 7 submitters: Uncertain significance (6); Likely benign (1). Last evaluated 2026-01-24.

Conditions:
Usher syndrome type 2C. Also called: USHER SYNDROME, TYPE IIC; Usher syndrome, type 2B. Identifiers: Orphanet 231178, Orphanet 886, MedGen C2931213, MONDO:0011558, OMIM 605472.
Inborn genetic diseases. Identifiers: MedGen C0950123, MeSH D030342.
ADGRV1-related disorder. Also called: ADGRV1-related disorders; ADGRV1-related condition.

Allele frequency attached by ClinVar (database versions not stated): ESP Exome Variant Server 0.00009; gnomAD exomes 0.00013 and 0.00031; ExAC 0.00016; gnomAD 0.00017; TOPMed 0.00018.
gnomAD v4.1: 444 of 1,530,000 alleles (0.029%); highest among the groups gnomAD compares: Non-Finnish European, 0.037%; no homozygotes.

Submissions (7):

Labcorp Genetics (formerly Invitae), Labcorp
Classification: Likely benign. Last evaluated: 2026-01-24. Review status: criteria provided, single submitter. Criteria: Invitae Variant Classification Sherloc (09022015). Collection method: clinical testing. Allele origin: germline.

PreventionGenetics, part of Exact Sciences
Classification: Uncertain significance for ADGRV1-related condition. Last evaluated: 2026-01-03. Review status: criteria provided, single submitter. Criteria: ACMG Guidelines, 2015. Collection method: clinical testing. Allele origin: germline.
Comment: The ADGRV1 c.686A>G variant is predicted to result in the amino acid substitution p.Asp229Gly. To our knowledge, this variant has not been reported in the literature. This variant is reported in 0.023% of alleles in individuals of European (Non-Finnish) descent in gnomAD. At this time, the clinical significance of this variant is uncertain due to the absence of conclusive functional and genetic evidence.

Blueprint Genetics
Classification: Uncertain significance. Last evaluated: 2024-11-06. Review status: criteria provided, single submitter. Criteria: ACMG Guidelines, 2015. Collection method: clinical testing. Allele origin: germline.

Mayo Clinic Laboratories, Mayo Clinic
Classification: Uncertain significance. Last evaluated: 2023-11-17. Review status: criteria provided, single submitter. Criteria: ACMG Guidelines, 2015. Collection method: clinical testing. Allele origin: germline. Observed: 1 variant allele.
Comment: PM2

Ambry Genetics
Classification: Uncertain significance for Inborn genetic diseases. Last evaluated: 2021-08-02. Review status: criteria provided, single submitter. Criteria: Ambry Variant Classification Scheme 2023. Collection method: clinical testing. Allele origin: germline.

GeneDx
Classification: Uncertain significance. Last evaluated: 2021-04-12. Review status: criteria provided, single submitter. Criteria: GeneDx Variant Classification Process June 2021. Collection method: clinical testing. Allele origin: germline. Affected: yes.
Comment: In silico analysis supports that this missense variant has a deleterious effect on protein structure/function

Illumina Laboratory Services, Illumina
Classification: Uncertain significance for Usher syndrome type 2C. Last evaluated: 2018-01-12. Review status: criteria provided, single submitter. Criteria: ICSL Variant Classification Criteria 13 December 2019. Collection method: clinical testing. Allele origin: germline.